The following is an entry in ClinVar:

NM_000051.4(ATM):c.229A>G (p.Ile77Val)

Gene: ATM (ATM serine/threonine kinase; plus strand). Cytogenetic location: 11q22.3.
Variant type: single nucleotide variant.
Coding change: c.229A>G on transcript NM_000051.4 (MANE Select); coding-DNA position 229, A replaced by G.
Protein change: p.Ile77Val; replaces isoleucine 77 with valine.
Molecular consequence: missense variant.
Genome position (GRCh38, 1-based): chr11:108,229,221, A>G. VCF-style: chr11-108229221-A-G. GRCh37 (hg19) VCF-style: chr11-108099948-A-G.
Other names: c.229A>G, p.Ile77Val (NM_001351834.2, NM_001351835.2, NM_001351836.2); short protein forms I77V.
Identifiers: ClinVar variation 422835 (VCV000422835.23), dbSNP rs1064796032, ClinGen allele CA16619096.

ClinVar aggregate classification (germline): Conflicting classifications of pathogenicity. Review status: criteria provided, conflicting classifications (1 of 4 stars). 5 submissions from 5 submitters: Uncertain significance (3); Likely benign (1). 1 of the submissions does not count toward it. Last evaluated 2026-01-17.

Conditions:
Hereditary cancer-predisposing syndrome. Also called: Hereditary neoplastic syndrome; Hereditary Cancer Syndrome; Neoplastic Syndromes, Hereditary; Tumor predisposition. Identifiers: Orphanet 140162, MedGen C0027672, MeSH D009386, MONDO:0015356.
Familial cancer of breast. Also called: hereditary breast carcinoma; Hereditary breast cancer; BREAST CANCER, FAMILIAL. Identifiers: Orphanet 227535, MedGen C0346153, MONDO:0016419, OMIM 114480. Disease mechanism: loss of function.
Ataxia-telangiectasia syndrome (AT). Also called: Ataxia-telangiectasia, complementation group D; Cerebello-oculocutaneous telangiectasia; Immunodeficiency with ataxia telangiectasia; ATAXIA-TELANGIECTASIA, COMPLEMENTATION GROUP A; ATAXIA-TELANGIECTASIA, FRESNO VARIANT; LOUIS-BAR SYNDROME. Identifiers: Orphanet 100, MedGen C0004135, MONDO:0008840, OMIM 208900.

Allele frequency attached by ClinVar (database versions not stated): gnomAD exomes below 0.00001; gnomAD 0.00001.
gnomAD v4.1: 4 of 1,613,470 alleles (0.00025%); highest among the groups gnomAD compares: African/African-American, 0.004%; no homozygotes.

Submissions (5):

Labcorp Genetics (formerly Invitae), Labcorp
Classification: Uncertain significance for Ataxia-telangiectasia syndrome. Last evaluated: 2026-01-17. Review status: criteria provided, single submitter. Criteria: Invitae Variant Classification Sherloc (09022015). Collection method: clinical testing. Allele origin: germline.
Comment: This sequence change replaces isoleucine, which is neutral and non-polar, with valine, which is neutral and non-polar, at codon 77 of the ATM protein (p.Ile77Val). This variant is present in population databases (no rsID available, gnomAD 0.01%). This missense change has been observed in individual(s) with ovarian cancer (PMID: 30651582). ClinVar contains an entry for this variant (Variation ID: 422835). Invitae Evidence Modeling of protein sequence and biophysical properties (such as structural, functional, and spatial information, amino acid conservation, physicochemical variation, residue mobility, and thermodynamic stability) indicates that this missense variant is not expected to disrupt ATM protein function with a negative predictive value of 95%. In summary, the available evidence is currently insufficient to determine the role of this variant in disease. Therefore, it has been classified as a Variant of Uncertain Significance.

Ambry Genetics
Classification: Likely benign for Hereditary cancer-predisposing syndrome. Last evaluated: 2024-04-29. Review status: criteria provided, single submitter. Criteria: Ambry Variant Classification Scheme 2023. Collection method: clinical testing. Allele origin: germline.

GeneDx
Classification: Uncertain significance. Last evaluated: 2022-12-13. Review status: criteria provided, single submitter. Criteria: GeneDx Variant Classification Process June 2021. Collection method: clinical testing. Allele origin: germline. Affected: yes.
Comment: Not observed at significant frequency in large population cohorts (gnomAD); In silico analysis supports that this missense variant does not alter protein structure/function; Observed in individuals with ovarian cancer (Krivokuca et al., 2019); This variant is associated with the following publications: (PMID: 30651582)

Baylor Genetics
Classification: Uncertain significance for Familial cancer of breast. Last evaluated: 2022-10-04. Review status: criteria provided, single submitter. Criteria: ACMG Guidelines, 2015. Collection method: clinical testing. Allele origin: unknown.

Natera, Inc.
Classification: Uncertain significance for Ataxia-telangiectasia. Last evaluated: 2020-09-14. Review status: no assertion criteria provided. Collection method: clinical testing. Allele origin: germline. Not counted in ClinVar's aggregate classification.

Literature cited by the submitters: PubMed 30651582 (cited by Labcorp Genetics (formerly Invitae), Labcorp and Ambry Genetics).